The following is an entry in ClinVar:

ClinVar aggregate classification (germline): Uncertain significance. Review status: criteria provided, multiple submitters, no conflicts (2 of 4 stars). 2 submissions from 2 submitters: Uncertain significance (2). Last evaluated 2025-02-10.

Allele frequency attached by ClinVar (database versions not stated): gnomAD exomes below 0.00001; TOPMed below 0.00001; gnomAD 0.00001.

Submissions (2):

Labcorp Genetics (formerly Invitae), Labcorp
Classification: Uncertain significance. Last evaluated: 2025-02-10. Review status: criteria provided, single submitter. Criteria: Invitae Variant Classification Sherloc (09022015). Collection method: clinical testing. Allele origin: germline.
Comment: This sequence change replaces glycine, which is neutral and non-polar, with glutamic acid, which is acidic and polar, at codon 148 of the KLHL9 protein (p.Gly148Glu). This variant is not present in population databases (gnomAD no frequency). This variant has not been reported in the literature in individuals affected with KLHL9-related conditions. ClinVar contains an entry for this variant (Variation ID: 426183). Invitae Evidence Modeling of protein sequence and biophysical properties (such as structural, functional, and spatial information, amino acid conservation, physicochemical variation, residue mobility, and thermodynamic stability) indicates that this missense variant is not expected to disrupt KLHL9 protein function with a negative predictive value of 80%. In summary, the available evidence is currently insufficient to determine the role of this variant in disease. Therefore, it has been classified as a Variant of Uncertain Significance.

GeneDx
Classification: Uncertain significance. Last evaluated: 2017-04-27. Review status: criteria provided, single submitter. Criteria: GeneDx Variant Classification (06012015). Collection method: clinical testing. Allele origin: germline. Affected: yes.
Comment: The G148E variant in the KLHL9 gene has not been reported previously as a pathogenic variant, nor as a benign variant, to our knowledge. The G148E variant is not observed in large population cohorts (Lek et al., 2016; 1000 Genomes Consortium et al., 2015; Exome Variant Server). The G148E variant is a non-conservative amino acid substitution, which occurs at a position that is conserved in mammals. In silico analysis is inconsistent in its predictions as to whether or not the variant is damaging to the protein structure/function. We interpret G148E as a variant of uncertain significance

NM_018847.4(KLHL9):c.443G>A (p.Gly148Glu)

Gene: KLHL9 (kelch like family member 9; minus strand). Cytogenetic location: 9p21.3.
Variant type: single nucleotide variant.
Coding change: c.443G>A on transcript NM_018847.4 (MANE Select); coding-DNA position 443, G replaced by A.
Protein change: p.Gly148Glu; replaces glycine 148 with glutamic acid.
Molecular consequence: missense variant.
Genome position (GRCh38, 1-based): chr9:21,334,417, C>T on the plus strand (G>A on the coding strand, the complement: KLHL9 is on the minus strand). VCF-style: chr9-21334417-C-T. GRCh37 (hg19) VCF-style: chr9-21334416-C-T.
Other names: short protein forms G148E.
Identifiers: ClinVar variation 426183 (VCV000426183.5), dbSNP rs980802126, ClinGen allele CA373072961.
Genomic context (GRCh38, chr9:21,334,417, plus strand): 5'-TCTATAAGATTGTAGGTGTTAGCAATTCGTCCAACCTCAACACAGTTATCCAAAGAGACT[C>T]CTGATATAAGAAATACTTTACAGAAATCCAAAACGGGTAATATTTGTAAAAAGCTAGCAG-3'
Protein context (NP_061335.1, residues 138-158): LDFCKVFLIS[Gly148Glu]VSLDNCVEVG